The following is an entry in ClinVar:

ClinVar aggregate classification (germline): Pathogenic. Review status: criteria provided, multiple submitters, no conflicts (2 of 4 stars). 2 submissions from 2 submitters: Pathogenic (2). Last evaluated 2025-05-30.

Conditions:
Hereditary nonpolyposis colorectal neoplasms. Identifiers: MedGen C0009405, MeSH D003123.
Hereditary cancer-predisposing syndrome. Also called: Neoplastic Syndromes, Hereditary; Tumor predisposition; Hereditary Cancer Syndrome; Hereditary neoplastic syndrome. Identifiers: Orphanet 140162, MedGen C0027672, MeSH D009386, MONDO:0015356.

Submissions (2):

Color Diagnostics, LLC DBA Color Health
Classification: Pathogenic for Hereditary cancer-predisposing syndrome. Last evaluated: 2025-05-30. Review status: criteria provided, single submitter. Criteria: ACMG Guidelines, 2015. Collection method: clinical testing. Allele origin: germline.
Comment: This variant inserts 1 nucleotide in exon 4 of the MSH6 gene, creating a frameshift and premature translation stop signal. This variant is expected to result in an absent or non-functional protein product. To our knowledge, this variant has not been reported in individuals affected with MSH6-related disorders in the literature. This variant has not been identified in the general population by the Genome Aggregation Database (gnomAD). Loss of MSH6 function is a known mechanism of disease. Based on the available evidence, this variant is classified as Pathogenic.

Labcorp Genetics (formerly Invitae), Labcorp
Classification: Pathogenic for Hereditary nonpolyposis colorectal neoplasms. Last evaluated: 2024-01-24. Review status: criteria provided, single submitter. Criteria: Invitae Variant Classification Sherloc (09022015). Collection method: clinical testing. Allele origin: germline.
Comment: This sequence change creates a premature translational stop signal (p.Ile517Hisfs*14) in the MSH6 gene. It is expected to result in an absent or disrupted protein product. Loss-of-function variants in MSH6 are known to be pathogenic (PMID: 18269114, 24362816). This variant is not present in population databases (gnomAD no frequency). This variant has not been reported in the literature in individuals affected with MSH6-related conditions. For these reasons, this variant has been classified as Pathogenic.

Literature cited by the submitters: PubMed 18269114 (cited by Labcorp Genetics (formerly Invitae), Labcorp); PubMed 24362816 (cited by Labcorp Genetics (formerly Invitae), Labcorp).

NM_000179.3(MSH6):c.1547dup (p.Ile517fs)

Gene: MSH6 (mutS homolog 6; plus strand). Cytogenetic location: 2p16.3.
Variant type: Duplication.
Coding change: c.1547dup on transcript NM_000179.3 (MANE Select); coding-DNA position 1547, one base duplicated (T; older notation c.1547dupT).
Protein change: p.Ile517fs; shifts the reading frame from isoleucine 517.
Molecular consequence: frameshift variant. On other transcripts: non-coding transcript variant (4), intron variant (1).
Genome position (GRCh38, 1-based): chr2:47,799,530, T duplicated. VCF-style (leftmost placement, unchanged base first): chr2-47799529-A-AT. GRCh37 (hg19) VCF-style: chr2-48026668-A-AT.
Other names: c.1157dup, p.Ile387fs (NM_001281492.2); c.641dup, p.Ile215fs (NM_001281493.2, NM_001281494.2, NM_001406811.1 and 6 more transcripts); c.1643dup, p.Ile549fs (NM_001406795.1, NM_001406802.1); c.1547dup, p.Ile517fs (NM_001406796.1, NM_001406798.1, NM_001406800.1 and 4 more transcripts); c.1250dup, p.Ile418fs (NM_001406797.1, NM_001406801.1, NM_001406805.1 and 10 more transcripts); c.1022dup, p.Ile342fs (NM_001406799.1, NM_001406806.1, NM_001406807.1); c.1469dup, p.Ile491fs (NM_001406804.1); c.1553dup, p.Ile519fs (NM_001406813.1); and 2 more; short protein forms I418fs, I517fs, I519fs, I549fs, I342fs, I461fs, I215fs, I387fs.
Identifiers: ClinVar variation 2711057 (VCV002711057.4), dbSNP rs2530615385, ClinGen allele CA2697548140.